The following is an entry in ClinVar:

NM_005912.3(MC4R):c.815C>A (p.Pro272His)

Gene: MC4R (melanocortin 4 receptor; minus strand). Cytogenetic location: 18q21.32.
Variant type: single nucleotide variant.
Coding change: c.815C>A on transcript NM_005912.3 (MANE Select); coding-DNA position 815, C replaced by A.
Protein change: p.Pro272His; replaces proline 272 with histidine.
Molecular consequence: missense variant.
Genome position (GRCh38, 1-based): chr18:60,371,535, G>T on the plus strand (C>A on the coding strand, the complement: MC4R is on the minus strand). VCF-style: chr18-60371535-G-T. GRCh37 (hg19) VCF-style: chr18-58038768-G-T.
Other names: short protein forms P272H.
Identifiers: ClinVar variation 4999219 (VCV004999219.1).

ClinVar aggregate classification (germline): Uncertain significance (1 of 4 stars; one submission).

Conditions:
MC4R-related disorder. Also called: MC4R-related condition.

Submission:

PreventionGenetics, part of Exact Sciences
Classification: Uncertain significance for MC4R-related condition. Last evaluated: 2025-01-30. Review status: criteria provided, single submitter. Criteria: ACMG Guidelines, 2015. Collection method: clinical testing. Allele origin: germline.
Comment: The MC4R c.815C>A variant is predicted to result in the amino acid substitution p.Pro272His. To our knowledge, this variant has not been reported in the literature or in a large population database (gnomAD), indicating this variant is rare. A different variant affecting the same amino acid (c.815C>T (p.Pro272Leu)) has been reported in the heterozygous state in an individual with severe early onset obesity (Granell et al. 2012. PubMed ID: 23251400) and is interpreted as likely pathogenic in ClinVar (Variation ID:2572709). At this time, the clinical significance of this variant is uncertain due to the absence of conclusive functional and genetic evidence.